The following is an entry in ClinVar:

NM_022489.4(INF2):c.2093T>C (p.Leu698Pro)

Gene: INF2 (inverted formin 2; plus strand). Cytogenetic location: 14q32.33.
Variant type: single nucleotide variant.
Coding change: c.2093T>C on transcript NM_022489.4 (MANE Select); coding-DNA position 2093, T replaced by C.
Protein change: p.Leu698Pro; replaces leucine 698 with proline.
Molecular consequence: missense variant.
Genome position (GRCh38, 1-based): chr14:104,709,660, T>C. VCF-style: chr14-104709660-T-C. GRCh37 (hg19) VCF-style: chr14-105175997-T-C.
Other names: c.2093T>C, p.Leu698Pro (NM_001031714.4); short protein forms L698P.
Identifiers: ClinVar variation 1004872 (VCV001004872.9), dbSNP rs1889952154, ClinGen allele CA391219968.

ClinVar aggregate classification (germline): Uncertain significance (1 of 4 stars; one submission).

Conditions:
Focal segmental glomerulosclerosis 5 (FSGS5). Identifiers: Orphanet 656, MedGen C2750475, MONDO:0013191, OMIM 613237.
Charcot-Marie-Tooth disease dominant intermediate E. Also called: CHARCOT-MARIE-TOOTH NEUROPATHY WITH FOCAL SEGMENTAL GLOMERULONEPHRITIS. Identifiers: Orphanet 93114, MedGen C4302667, MONDO:0013758, OMIM 614455.

Submission:

Labcorp Genetics (formerly Invitae), Labcorp
Classification: Uncertain significance for Charcot-Marie-Tooth disease dominant intermediate E; Focal segmental glomerulosclerosis 5. Last evaluated: 2021-04-09. Review status: criteria provided, single submitter. Criteria: Invitae Variant Classification Sherloc (09022015). Collection method: clinical testing. Allele origin: germline.
Comment: In summary, the available evidence is currently insufficient to determine the role of this variant in disease. Therefore, it has been classified as a Variant of Uncertain Significance. Algorithms developed to predict the effect of missense changes on protein structure and function are either unavailable or do not agree on the potential impact of this missense change (SIFT: "Deleterious"; PolyPhen-2: "Not Available"; Align-GVGD: "Class C0"). This variant has not been reported in the literature in individuals with INF2-related conditions. This variant is not present in population databases (ExAC no frequency). This sequence change replaces leucine with proline at codon 698 of the INF2 protein (p.Leu698Pro). The leucine residue is highly conserved and there is a moderate physicochemical difference between leucine and proline.